The following is an entry in ClinVar:

ClinVar aggregate classification (germline): Pathogenic/Likely pathogenic. Review status: criteria provided, multiple submitters, no conflicts (2 of 4 stars). 4 submissions from 4 submitters: Pathogenic (1); Likely pathogenic (3). Last evaluated 2025-12-18.

Conditions:
FLNC-related disorder. Also called: FLNC-related disorders; FLNC-related condition.
Cardiovascular phenotype. Identifiers: MedGen CN230736.

Submissions (4):

Ambry Genetics
Classification: Pathogenic for Cardiovascular phenotype. Last evaluated: 2025-12-18. Review status: criteria provided, single submitter. Criteria: Ambry Variant Classification Scheme 2023. Collection method: clinical testing. Allele origin: germline.
Comment: The c.2830delG pathogenic mutation, located in coding exon 19 of the FLNC gene, results from a deletion of one nucleotide at nucleotide position 2830, causing a translational frameshift with a predicted alternate stop codon (p.V944*). This variant is considered to be rare based on population cohorts in the Genome Aggregation Database (gnomAD). This alteration is expected to result in loss of function by premature protein truncation or nonsense-mediated mRNA decay. As such, this alteration is interpreted as a disease-causing mutation for FLNC-related dilated cardiomyopathy; however, its clinical significance for FLNC-related hypertrophy/restrictive cardiomyopathy and/or skeletal myopathy is uncertain.

Molecular Diagnostic Laboratory for Inherited Cardiovascular Disease, Montreal Heart Institute
Classification: Likely pathogenic for Cardiovascular phenotype. Last evaluated: 2024-12-17. Review status: criteria provided, single submitter. Criteria: ACMG Guidelines, 2015. Collection method: clinical testing. Allele origin: germline. Affected: yes.
Comment: PVS1;PM2

Clinical Genetics Laboratory, Skane University Hospital Lund
Classification: Likely pathogenic. Last evaluated: 2022-08-05. Review status: criteria provided, single submitter. Criteria: ACMG Guidelines, 2015. Collection method: clinical testing. Allele origin: germline. Affected: yes.

Blueprint Genetics
Classification: Likely pathogenic for FLNC-related disorders. Last evaluated: 2017-06-16. Review status: criteria provided, single submitter. Criteria: ACMG Guidelines, 2015. Collection method: clinical testing. Allele origin: germline. Affected: yes. Observed: 1 variant allele.

NM_001458.5(FLNC):c.2830del (p.Thr943_Val944insTer)

Gene: FLNC (filamin C; plus strand). Cytogenetic location: 7q32.1.
Variant type: Deletion.
Coding change: c.2830del on transcript NM_001458.5 (MANE Select); coding-DNA position 2830, one base deleted (G; older notation c.2830delG).
Protein change: p.Thr943_Val944insTer.
Molecular consequence: nonsense.
Genome position (GRCh38, 1-based): chr7:128,843,814, G deleted. VCF-style (leftmost placement, unchanged base first): chr7-128843813-AG-A. GRCh37 (hg19) VCF-style: chr7-128483867-AG-A.
Other names: c.2830del (NM_001458.4); c.2830del, p.Thr943_Val944insTer (NM_001127487.2).
Identifiers: ClinVar variation 3337120 (VCV003337120.4).